The following is an entry in ClinVar:

NM_004446.3(EPRS1):c.1015C>T (p.Arg339Ter)

Gene: EPRS1 (glutamyl-prolyl-tRNA synthetase 1; minus strand). Cytogenetic location: 1q41.
Variant type: single nucleotide variant.
Coding change: c.1015C>T on transcript NM_004446.3 (MANE Select); coding-DNA position 1015, C replaced by T.
Protein change: p.Arg339Ter; replaces arginine 339 with a stop codon.
Molecular consequence: nonsense.
Genome position (GRCh38, 1-based): chr1:220,022,447, G>A on the plus strand (C>T on the coding strand, the complement: EPRS1 is on the minus strand). VCF-style: chr1-220022447-G-A. GRCh37 (hg19) VCF-style: chr1-220195789-G-A.
Other names: short protein forms R339*.
Identifiers: ClinVar variation 523134 (VCV000523134.4), dbSNP rs763737931, ClinGen allele CA1400401.

ClinVar aggregate classification (germline): Likely pathogenic. Review status: criteria provided, single submitter (1 of 4 stars). 2 submissions from 2 submitters: Likely pathogenic (1). 1 of the submissions does not count toward it. Last evaluated 2026-02-10.

Conditions:
Leukodystrophy, hypomyelinating, 15. Identifiers: MedGen C4693733, MONDO:0054782, OMIM 617951.

Allele frequency attached by ClinVar (database versions not stated): ExAC 0.00001; gnomAD exomes 0.00001 and below 0.00001.
gnomAD v4.1: 5 of 1,613,908 alleles (0.00031%); highest among the groups gnomAD compares: East Asian, 0.0022%; no homozygotes.

Submissions (2):

GeneDx
Classification: Likely pathogenic. Last evaluated: 2026-02-10. Review status: criteria provided, single submitter. Criteria: GeneDx Variant Classification Process June 2021. Collection method: clinical testing. Allele origin: germline.
Comment: Nonsense variant predicted to result in protein truncation or nonsense mediated decay in a gene for which loss of function is a known mechanism of disease; This variant is associated with the following publications: (PMID: 29576217, 33805425)

OMIM
Classification: Pathogenic for LEUKODYSTROPHY, HYPOMYELINATING, 15. Last evaluated: 2019-08-20. Review status: no assertion criteria provided. Collection method: literature only. Allele origin: germline. Not counted in ClinVar's aggregate classification.

Literature cited by the submitters: PubMed 29576217 (cited by OMIM).